The following is an entry in ClinVar:

NM_024747.6(HPS6):c.2306C>T (p.Pro769Leu)

Gene: HPS6 (HPS6 biogenesis of lysosomal organelles complex 2 subunit 3; plus strand). Cytogenetic location: 10q24.32.
Variant type: single nucleotide variant.
Coding change: c.2306C>T on transcript NM_024747.6 (MANE Select); coding-DNA position 2306, C replaced by T.
Protein change: p.Pro769Leu; replaces proline 769 with leucine.
Molecular consequence: missense variant.
Genome position (GRCh38, 1-based): chr10:102,067,780, C>T. VCF-style: chr10-102067780-C-T. GRCh37 (hg19) VCF-style: chr10-103827537-C-T.
Other names: short protein forms P769L.
Identifiers: ClinVar variation 435466 (VCV000435466.12), dbSNP rs369970908, ClinGen allele CA5660156.

ClinVar aggregate classification (germline): Uncertain significance. Review status: criteria provided, multiple submitters, no conflicts (2 of 4 stars). 3 submissions from 3 submitters: Uncertain significance (3). Last evaluated 2023-03-01.

Conditions:
Inborn genetic diseases. Identifiers: MedGen C0950123, MeSH D030342.

Allele frequency attached by ClinVar (database versions not stated): gnomAD exomes 0.00001 and 0.00002; ExAC 0.00002; TOPMed 0.00002; gnomAD 0.00003 and 0.00004; ESP Exome Variant Server 0.00008.
gnomAD v4.1: 27 of 1,612,958 alleles (0.0017%); highest among the groups gnomAD compares: African/African-American, 0.004%; no homozygotes.

Submissions (3):

Ambry Genetics
Classification: Uncertain significance for Inborn genetic diseases. Last evaluated: 2023-03-01. Review status: criteria provided, single submitter. Criteria: Ambry Variant Classification Scheme 2023. Collection method: clinical testing. Allele origin: germline.

Labcorp Genetics (formerly Invitae), Labcorp
Classification: Uncertain significance. Last evaluated: 2022-06-13. Review status: criteria provided, single submitter. Criteria: Invitae Variant Classification Sherloc (09022015). Collection method: clinical testing. Allele origin: germline.
Comment: This sequence change replaces proline, which is neutral and non-polar, with leucine, which is neutral and non-polar, at codon 769 of the HPS6 protein (p.Pro769Leu). This variant is present in population databases (rs369970908, gnomAD 0.004%). This variant has not been reported in the literature in individuals affected with HPS6-related conditions. ClinVar contains an entry for this variant (Variation ID: 435466). Algorithms developed to predict the effect of missense changes on protein structure and function are either unavailable or do not agree on the potential impact of this missense change (SIFT: "Tolerated"; PolyPhen-2: "Possibly Damaging"; Align-GVGD: "Class C0"). In summary, the available evidence is currently insufficient to determine the role of this variant in disease. Therefore, it has been classified as a Variant of Uncertain Significance.

Genetic Services Laboratory, University of Chicago
Classification: Uncertain significance. Last evaluated: 2015-11-19. Review status: criteria provided, single submitter. Criteria: ACMG Guidelines, 2015. Collection method: clinical testing. Allele origin: germline. Affected: no.